The following is an entry in ClinVar:

ClinVar aggregate classification (germline): Uncertain significance (1 of 4 stars; one submission).

Submission:

Women's Health and Genetics/Laboratory Corporation of America, LabCorp
Classification: Uncertain significance. Last evaluated: 2022-08-26. Review status: criteria provided, single submitter. Criteria: LabCorp Variant Classification Summary - May 2015. Collection method: clinical testing. Allele origin: germline.
Comment: Variant summary: CHMP2B c.2T>C (p.Met1?, aka p.Met1Thr) alters the initiation codon and is predicted to result either in absence of the protein or truncation of the encoded protein due to translation initiation at a downstream codon. The next potential translation initiation codon is located at Met49. No truncation variants are reported in affected individuals upstream from this (Met49) position (HGMD). The variant was absent in 250766 control chromosomes (gnomAD). However, a downstream truncation variant (c.64C>T (p.Arg22Ter)) was reported at a relatively high population frequency (i.e. in 70 / 282570 alleles), suggesting that it might not be detrimental for protein function in the heterozygous state. To our knowledge, no occurrence of c.2T>C in individuals affected with Frontotemporal Dementia and/or Amyotrophic Lateral Sclerosis 7 and no experimental evidence demonstrating its impact on protein function have been reported. No clinical diagnostic laboratories have submitted clinical-significance assessments for this variant to ClinVar after 2014. Based on the evidence outlined above, the variant was classified as uncertain significance.

NM_014043.4(CHMP2B):c.2T>C (p.Met1Thr)

Gene: CHMP2B (charged multivesicular body protein 2B; plus strand). Cytogenetic location: 3p11.2.
Variant type: single nucleotide variant.
Coding change: c.2T>C on transcript NM_014043.4 (MANE Select); coding-DNA position 2, T replaced by C.
Protein change: p.Met1Thr; changes the start codon (methionine 1).
Molecular consequence: missense variant, initiator codon variant. On other transcripts: 5 prime UTR variant (1).
Genome position (GRCh38, 1-based): chr3:87,227,524, T>C. VCF-style: chr3-87227524-T-C. GRCh37 (hg19) VCF-style: chr3-87276674-T-C.
Other names: c.-30T>C (NM_001244644.2, NM_001410777.1); short protein forms M1T.
Identifiers: ClinVar variation 1705214 (VCV001705214.2), dbSNP rs2471740865, ClinGen allele CA353696263.